The following is an entry in ClinVar:

NM_014956.5(CEP164):c.1042C>G (p.Pro348Ala)

Gene: CEP164 (centrosomal protein 164; plus strand). Cytogenetic location: 11q23.3.
Variant type: single nucleotide variant.
Coding change: c.1042C>G on transcript NM_014956.5 (MANE Select); coding-DNA position 1042, C replaced by G.
Protein change: p.Pro348Ala; replaces proline 348 with alanine.
Molecular consequence: missense variant.
Genome position (GRCh38, 1-based): chr11:117,371,356, C>G. VCF-style: chr11-117371356-C-G. GRCh37 (hg19) VCF-style: chr11-117242072-C-G.
Other names: c.1042C>G, p.Pro348Ala (NM_001271933.2); c.1042C>G (NM_014956.4); short protein forms P348A.
Identifiers: ClinVar variation 1002890 (VCV001002890.7), dbSNP rs147746626, ClinGen allele CA6294631.

ClinVar aggregate classification (germline): Uncertain significance. Review status: criteria provided, multiple submitters, no conflicts (2 of 4 stars). 3 submissions from 3 submitters: Uncertain significance (3). Last evaluated 2026-05-12.

Conditions:
CEP164-related disorder. Also called: CEP164-related condition.
Nephronophthisis 15 (NPHP15). Identifiers: Orphanet 3156, MedGen C3541853, MONDO:0013917, OMIM 614845.

Allele frequency attached by ClinVar (database versions not stated): gnomAD exomes 0.00004; ExAC 0.00008; ESP Exome Variant Server 0.00015; TOPMed 0.00021; gnomAD 0.00022; 1000 Genomes Project 30x 0.00062; 1000 Genomes Project 0.00080.
gnomAD v4.1: 67 of 1,614,182 alleles (0.0042%); highest among the groups gnomAD compares: African/African-American, 0.076%; no homozygotes.

Submissions (3):

PreventionGenetics, part of Exact Sciences
Classification: Uncertain significance for CEP164-related condition. Last evaluated: 2026-05-12. Review status: criteria provided, single submitter. Criteria: ACMG Guidelines, 2015. Collection method: clinical testing. Allele origin: germline.
Comment: The CEP164 c.1042C>G variant is predicted to result in the amino acid substitution p.Pro348Ala. To our knowledge, this variant has not been reported in the literature. This variant is reported in 0.072% of alleles in individuals of African descent in gnomAD. Although we suspect that this variant may be benign, at this time, the clinical significance of this variant is uncertain due to the absence of conclusive functional and genetic evidence.

Labcorp Genetics (formerly Invitae), Labcorp
Classification: Uncertain significance for Nephronophthisis 15. Last evaluated: 2025-11-10. Review status: criteria provided, single submitter. Criteria: Invitae Variant Classification Sherloc (09022015). Collection method: clinical testing. Allele origin: germline.
Comment: This sequence change replaces proline, which is neutral and non-polar, with alanine, which is neutral and non-polar, at codon 348 of the CEP164 protein (p.Pro348Ala). This variant is present in population databases (rs147746626, gnomAD 0.08%). This variant has not been reported in the literature in individuals affected with CEP164-related conditions. ClinVar contains an entry for this variant (Variation ID: 1002890). An algorithm developed to predict the effect of missense changes on protein structure and function outputs the following: PolyPhen-2: "Benign". The alanine amino acid residue is found in multiple mammalian species, which suggests that this missense change does not adversely affect protein function. In summary, the available evidence is currently insufficient to determine the role of this variant in disease. Therefore, it has been classified as a Variant of Uncertain Significance.

Fulgent Genetics
Classification: Uncertain significance for Nephronophthisis 15. Last evaluated: 2022-04-25. Review status: criteria provided, single submitter. Criteria: ACMG Guidelines, 2015. Collection method: clinical testing. Allele origin: unknown.